The following is an entry in ClinVar:

NM_006393.3(NEBL):c.182C>T (p.Ser61Phe)

Gene: NEBL (nebulette; minus strand). Cytogenetic location: 10p12.31.
Variant type: single nucleotide variant.
Coding change: c.182C>T on transcript NM_006393.3 (MANE Select); coding-DNA position 182, C replaced by T.
Protein change: p.Ser61Phe; replaces serine 61 with phenylalanine.
Molecular consequence: missense variant. On other transcripts: intron variant (9).
Genome position (GRCh38, 1-based): chr10:20,889,921, G>A on the plus strand (C>T on the coding strand, the complement: NEBL is on the minus strand). VCF-style: chr10-20889921-G-A. GRCh37 (hg19) VCF-style: chr10-21178850-G-A.
Other names: c.249+71751C>T (NM_001377326.1, NM_001377327.1, NM_001377328.1); c.357+71751C>T (NM_213569.2, NM_001173484.2, NM_001377322.1); c.300+71751C>T (NM_001377324.1); c.291+71751C>T (NM_001377325.1); c.309+71751C>T (NM_001377323.1); short protein forms S61F.
Identifiers: ClinVar variation 164770 (VCV000164770.9), dbSNP rs543765307, ClinGen allele CA177464.

ClinVar aggregate classification (germline): Uncertain significance. Review status: criteria provided, multiple submitters, no conflicts (2 of 4 stars). 3 submissions from 3 submitters: Uncertain significance (3). Last evaluated 2025-12-08.

Conditions:
Primary dilated cardiomyopathy (DCM). Also called: Dilated Cardiomyopathy. Identifiers: Orphanet 217604, MedGen C0007193, MeSH D002311, MONDO:0005021, HP:0001644. Inheritance: Various modes of inheritance.

Allele frequency attached by ClinVar (database versions not stated): gnomAD exomes 0.00001 and 0.00002; TOPMed 0.00001; gnomAD 0.00003 and 0.00004.
gnomAD v4.1: 37 of 1,608,806 alleles (0.0023%); highest among the groups gnomAD compares: Non-Finnish European, 0.0031%; no homozygotes.

Submissions (3):

Labcorp Genetics (formerly Invitae), Labcorp
Classification: Uncertain significance for Primary dilated cardiomyopathy. Last evaluated: 2025-12-08. Review status: criteria provided, single submitter. Criteria: Invitae Variant Classification Sherloc (09022015). Collection method: clinical testing. Allele origin: germline.
Comment: This sequence change replaces serine, which is neutral and polar, with phenylalanine, which is neutral and non-polar, at codon 61 of the NEBL protein (p.Ser61Phe). This variant is present in population databases (rs543765307, gnomAD 0.002%). This variant has not been reported in the literature in individuals affected with NEBL-related conditions. ClinVar contains an entry for this variant (Variation ID: 164770). An algorithm developed to predict the effect of missense changes on protein structure and function (PolyPhen-2) suggests that this variant is likely to be disruptive. In summary, the available evidence is currently insufficient to determine the role of this variant in disease. Therefore, it has been classified as a Variant of Uncertain Significance.

Ambry Genetics
Classification: Uncertain significance. Last evaluated: 2025-07-24. Review status: criteria provided, single submitter. Criteria: Ambry Variant Classification Scheme 2023. Collection method: clinical testing. Allele origin: germline.
Comment: The p.S61F variant (also known as c.182C>T), located in coding exon 3 of the NEBL gene, results from a C to T substitution at nucleotide position 182. The serine at codon 61 is replaced by phenylalanine, an amino acid with highly dissimilar properties. This amino acid position is conserved. In addition, the in silico prediction for this alteration is inconclusive. Since supporting evidence is limited at this time, the clinical significance of this alteration remains unclear.

Laboratory for Molecular Medicine, Mass General Brigham Personalized Medicine
Classification: Uncertain significance. Last evaluated: 2014-02-06. Review status: criteria provided, single submitter. Criteria: LMM Criteria. Collection method: clinical testing. Allele origin: germline. Observed: 2 variant alleles.
Comment: The Ser61Phe variant in NEBL has not been reported in individuals with cardiomyo pathy or in large population studies. Computational analyses (biochemical amino acid properties, conservation, AlignGVGD, PolyPhen2, and SIFT) do not provide st rong support for or against an impact to the protein. Additional information is needed to fully assess the clinical significance of the Ser61Phe variant.